The following is an entry in ClinVar:

NM_004168.4(SDHA):c.887A>G (p.His296Arg)

Gene: SDHA (succinate dehydrogenase complex flavoprotein subunit A; plus strand). Cytogenetic location: 5p15.33.
Variant type: single nucleotide variant.
Coding change: c.887A>G on transcript NM_004168.4 (MANE Select); coding-DNA position 887, A replaced by G.
Protein change: p.His296Arg; replaces histidine 296 with arginine.
Molecular consequence: missense variant.
Genome position (GRCh38, 1-based): chr5:230,992, A>G. VCF-style: chr5-230992-A-G. GRCh37 (hg19) VCF-style: chr5-231107-A-G.
Other names: c.743A>G, p.His248Arg (NM_001294332.2); c.887A>G, p.His296Arg (NM_001330758.2); short protein forms H248R, H296R.
Identifiers: ClinVar variation 4075267 (VCV004075267.2).

ClinVar aggregate classification (germline): Uncertain significance. Review status: criteria provided, multiple submitters, no conflicts (2 of 4 stars). 2 submissions from 2 submitters: Uncertain significance (2). Last evaluated 2025-10-30.

Conditions:
Mitochondrial complex II deficiency, nuclear type 1. Also called: SUCCINATE CoQ REDUCTASE DEFICIENCY. Identifiers: Orphanet 3208, MedGen C5700310, MONDO:0100294, OMIM 252011.
Pheochromocytoma/paraganglioma syndrome 5. Also called: Paragangliomas 5; SDHA-Related Hereditary Paraganglioma-Pheochromocytoma Syndrome. Identifiers: Orphanet 29072, MedGen C3279992, MONDO:0013602, OMIM 614165.
Cancer or benign tumor. Also called: Cell proliferation disorder. Identifiers: MedGen CN377727, MONDO:0045024.

gnomAD v4.1: 2 of 1,613,828 alleles (0.00012%); highest among the groups gnomAD compares: Non-Finnish European, 0.000085%; no homozygotes.

Submissions (2):

Labcorp Genetics (formerly Invitae), Labcorp
Classification: Uncertain significance for Pheochromocytoma/paraganglioma syndrome 5; Mitochondrial complex II deficiency, nuclear type 1. Last evaluated: 2025-10-30. Review status: criteria provided, single submitter. Criteria: Invitae Variant Classification Sherloc (09022015). Collection method: clinical testing. Allele origin: germline.
Comment: This sequence change replaces histidine, which is basic and polar, with arginine, which is basic and polar, at codon 296 of the SDHA protein (p.His296Arg). This variant is not present in population databases (gnomAD no frequency). This variant has not been reported in the literature in individuals affected with SDHA-related conditions. ClinVar contains an entry for this variant (Variation ID: 4075267). Invitae Evidence Modeling of protein sequence and biophysical properties (such as structural, functional, and spatial information, amino acid conservation, physicochemical variation, residue mobility, and thermodynamic stability) has been performed for this missense variant. However, the output from this modeling did not meet the statistical confidence thresholds required to predict the impact of this variant on SDHA protein function. In summary, the available evidence is currently insufficient to determine the role of this variant in disease. Therefore, it has been classified as a Variant of Uncertain Significance.

Cambridge Genomics Laboratory, East Genomic Laboratory Hub, NHS Genomic Medicine Service
Classification: Uncertain significance for Cancer or benign tumor. Last evaluated: 2020-01-10. Review status: criteria provided, single submitter. Criteria: ACGS Best Practice Guidelines for Variant Classification in Rare Disease 2020. Collection method: clinical testing. Allele origin: germline. Affected: yes. Observed: 1 variant allele.